The following is an entry in ClinVar:

NM_018136.5(ASPM):c.2420-20G>A

Gene: ASPM (assembly factor for spindle microtubules; minus strand). Cytogenetic location: 1q31.3.
Variant type: single nucleotide variant.
Coding change: c.2420-20G>A on transcript NM_018136.5 (MANE Select); 20 bases into the intron before coding-DNA position 2420, G replaced by A.
Molecular consequence: intron variant.
Genome position (GRCh38, 1-based): chr1:197,132,372, C>T on the plus strand (G>A on the coding strand, the complement: ASPM is on the minus strand). VCF-style: chr1-197132372-C-T. GRCh37 (hg19) VCF-style: chr1-197101502-C-T.
Other names: c.2420-20G>A (NM_001206846.2).
Identifiers: ClinVar variation 261007 (VCV000261007.12), dbSNP rs191404122, ClinGen allele CA1310459.

ClinVar aggregate classification (germline): Likely benign. Review status: criteria provided, multiple submitters, no conflicts (2 of 4 stars). 6 submissions from 6 submitters: Likely benign (6). Last evaluated 2026-01-12.

Conditions:
Microcephaly 5, primary, autosomal recessive (MCPH5). Also called: ASPM Primary Microcephaly. Identifiers: Orphanet 2512, MedGen C1837501, MONDO:0012106, OMIM 608716.

Allele frequency attached by ClinVar (database versions not stated): gnomAD exomes 0.00010 and 0.00021; ExAC 0.00024; gnomAD 0.00080 and 0.00087; TOPMed 0.00093; 1000 Genomes Project 0.00100; ESP Exome Variant Server 0.00108.
gnomAD v4.1: 293 of 1,600,162 alleles (0.018%); highest among the groups gnomAD compares: African/African-American, 0.3%; 1 homozygote.

Submissions (6):

Labcorp Genetics (formerly Invitae), Labcorp
Classification: Likely benign. Last evaluated: 2026-01-12. Review status: criteria provided, single submitter. Criteria: Invitae Variant Classification Sherloc (09022015). Collection method: clinical testing. Allele origin: germline.

Women's Health and Genetics/Laboratory Corporation of America, LabCorp
Classification: Likely benign. Last evaluated: 2025-10-15. Review status: criteria provided, single submitter. Criteria: LabCorp Variant Classification Summary - May 2015. Collection method: clinical testing. Allele origin: germline.

Genome-Nilou Lab
Classification: Likely benign for Microcephaly 5, primary, autosomal recessive. Last evaluated: 2023-04-11. Review status: criteria provided, single submitter. Criteria: ACMG Guidelines, 2015. Collection method: clinical testing. Allele origin: germline. Affected: no.

GeneDx
Classification: Likely benign. Last evaluated: 2018-02-05. Review status: criteria provided, single submitter. Criteria: GeneDx Variant Classification (06012015). Collection method: clinical testing. Allele origin: germline. Affected: yes.
Comment: This variant is considered likely benign or benign based on one or more of the following criteria: it is a conservative change, it occurs at a poorly conserved position in the protein, it is predicted to be benign by multiple in silico algorithms, and/or has population frequency not consistent with disease.

Breakthrough Genomics
Classification: Likely benign. Review status: criteria provided, single submitter. Criteria: ACMG Guidelines, 2015. Collection method: not provided. Allele origin: germline. Inheritance: Autosomal recessive inheritance. Affected: yes.

PreventionGenetics, part of Exact Sciences
Classification: Likely benign. Review status: criteria provided, single submitter. Criteria: ACMG Guidelines, 2015. Collection method: clinical testing. Allele origin: germline.